The following is an entry in ClinVar:

ClinVar aggregate classification (germline): Uncertain significance. Review status: criteria provided, multiple submitters, no conflicts (2 of 4 stars). 3 submissions from 3 submitters: Uncertain significance (3). Last evaluated 2026-03-25.

Conditions:
Hereditary cancer-predisposing syndrome. Also called: Tumor predisposition; Hereditary Cancer Syndrome; Hereditary neoplastic syndrome; Neoplastic Syndromes, Hereditary. Identifiers: Orphanet 140162, MedGen C0027672, MeSH D009386, MONDO:0015356.
Peutz-Jeghers syndrome (PJS). Also called: POLYPOSIS, HAMARTOMATOUS INTESTINAL; POLYPS-AND-SPOTS SYNDROME; Peutz-Jeghers polyposis; Periorificial lentiginosis syndrome. Identifiers: Orphanet 2869, MedGen C0031269, MeSH D010580, MONDO:0008280, OMIM 175200.

Submissions (3):

Ambry Genetics
Classification: Uncertain significance for Hereditary cancer-predisposing syndrome. Last evaluated: 2026-03-25. Review status: criteria provided, single submitter. Criteria: Ambry Variant Classification Scheme 2023. Collection method: clinical testing. Allele origin: germline.
Comment: The p.P89L variant (also known as c.266C>T), located in coding exon 1 of the STK11 gene, results from a C to T substitution at nucleotide position 266. The proline at codon 89 is replaced by leucine, an amino acid with similar properties. This amino acid position is conserved. In addition, the in silico prediction for this alteration is inconclusive. Based on the available evidence, the clinical significance of this variant remains unclear.

Labcorp Genetics (formerly Invitae), Labcorp
Classification: Uncertain significance for Peutz-Jeghers syndrome. Last evaluated: 2025-05-13. Review status: criteria provided, single submitter. Criteria: Invitae Variant Classification Sherloc (09022015). Collection method: clinical testing. Allele origin: germline.
Comment: This sequence change replaces proline, which is neutral and non-polar, with leucine, which is neutral and non-polar, at codon 89 of the STK11 protein (p.Pro89Leu). This variant is not present in population databases (gnomAD no frequency). This variant has not been reported in the literature in individuals affected with STK11-related conditions. ClinVar contains an entry for this variant (Variation ID: 2122591). Invitae Evidence Modeling of protein sequence and biophysical properties (such as structural, functional, and spatial information, amino acid conservation, physicochemical variation, residue mobility, and thermodynamic stability) has been performed for this missense variant. However, the output from this modeling did not meet the statistical confidence thresholds required to predict the impact of this variant on STK11 protein function. In summary, the available evidence is currently insufficient to determine the role of this variant in disease. Therefore, it has been classified as a Variant of Uncertain Significance.

St. Jude Molecular Pathology, St. Jude Children's Research Hospital
Classification: Uncertain significance for Peutz-Jeghers syndrome. Last evaluated: 2024-10-02. Review status: criteria provided, single submitter. Criteria: St. Jude Assertion Criteria 2020. Collection method: clinical testing. Allele origin: germline.
Comment: The STK11 c.266C>T (p.Pro89Leu) missense change is absent in gnomAD v2.1.1. The in silico tool REVEL is inconclusive about a pathogenic or benign effect of this variant on protein function, and functional studies have not been performed. This variant has not been reported in individuals with Peutz-Jeghers syndrome. In summary, the evidence currently available is insufficient to determine the clinical significance of this variant. It has therefore been classified as of uncertain significance.

NM_000455.5(STK11):c.266C>T (p.Pro89Leu)

Gene: STK11 (serine/threonine kinase 11; plus strand). Cytogenetic location: 19p13.3.
Variant type: single nucleotide variant.
Coding change: c.266C>T on transcript NM_000455.5 (MANE Select); coding-DNA position 266, C replaced by T.
Protein change: p.Pro89Leu; replaces proline 89 with leucine.
Molecular consequence: missense variant.
Genome position (GRCh38, 1-based): chr19:1,207,179, C>T. VCF-style: chr19-1207179-C-T. GRCh37 (hg19) VCF-style: chr19-1207178-C-T.
Other names: c.266C>T, p.Pro89Leu (NM_001407255.1); short protein forms P89L.
Identifiers: ClinVar variation 2122591 (VCV002122591.6), dbSNP rs2145405922, ClinGen allele CA402944569.